The following is an entry in ClinVar:

ClinVar aggregate classification (germline): Pathogenic (1 of 4 stars; one submission).

Conditions:
Hereditary cancer-predisposing syndrome. Also called: Neoplastic Syndromes, Hereditary; Tumor predisposition; Hereditary Cancer Syndrome; Hereditary neoplastic syndrome. Identifiers: Orphanet 140162, MedGen C0027672, MeSH D009386, MONDO:0015356.

Submission:

Ambry Genetics
Classification: Pathogenic for Hereditary cancer-predisposing syndrome. Last evaluated: 2019-04-05. Review status: criteria provided, single submitter. Criteria: Ambry Variant Classification Scheme 2023. Collection method: clinical testing. Allele origin: germline.
Comment: The c.297_300delGGAG pathogenic mutation, located in coding exon 4 of the BRCA1 gene, results from a deletion of 4 nucleotides at nucleotide positions 297 to 300, causing a translational frameshift with a predicted alternate stop codon. This alteration is expected to result in loss of function by premature protein truncation or nonsense-mediated mRNA decay. As such, this alteration is interpreted as a disease-causing mutation.

NM_007294.4(BRCA1):c.297_300del (p.Leu99fs)

Gene: BRCA1 (BRCA1 DNA repair associated; minus strand). Cytogenetic location: 17q21.31.
Variant type: Deletion.
Coding change: c.297_300del on transcript NM_007294.4 (MANE Select); coding-DNA positions 297 to 300, 4 bases deleted (GGAG; older notation c.297_300delGGAG).
Protein change: p.Leu99fs; shifts the reading frame from leucine 99.
Molecular consequence: frameshift variant. On other transcripts: non-coding transcript variant (1).
Genome position (GRCh38, 1-based): chr17:43,104,869-43,104,872, CTCC deleted on the plus strand (GGAG on the coding strand, the reverse complement: BRCA1 is on the minus strand). VCF-style (leftmost placement, unchanged base first): chr17-43104868-ACTCC-A. GRCh37 (hg19) VCF-style: chr17-41256885-ACTCC-A.
Other names: c.219_222delGGAG, p.Leu73Phefs (NM_001407874.1, NM_001407875.1, NM_001407653.1 and 21 more transcripts); c.87_90delGGAG, p.Leu29Phefs (NM_001407879.1, NM_001407881.1, NM_001407882.1 and 58 more transcripts); c.297_300delGGAG, p.Leu99Phefs (NM_007298.4, NM_007304.2, NM_001407625.1 and 163 more transcripts); c.297_300del, p.Leu99fs (NM_007299.4, NM_007300.4); c.156_159delGGAG, p.Leu52Phefs (NM_001407692.1, NM_001407694.1, NM_001407695.1 and 98 more transcripts); c.-85_-82delGGAG (NM_001407959.1, NM_001407960.1, NM_001407962.1 and 4 more transcripts); c.165_168delGGAG, p.Leu55Phefs (NM_001408451.1); c.156_159del, p.Leu52fs (NM_007297.4); short protein forms L52fs, L99fs.
Identifiers: ClinVar variation 1798281 (VCV001798281.2), dbSNP rs2552254007, ClinGen allele CA2580093813.
Genomic context (GRCh38, chr17:43,104,868, plus strand): 5'-AACTTCCTGAGTTTTCATGGACAGCACTTGAGTGTCATTCTTGGGATATTCAACACTTAC[ACTCC>A]AAACCTGTGTCAAGCTGAAAAGCACAAATGATTTTCAATAGCTCTTCAACAAGTTGACTA-3'